The following is an entry in ClinVar:

ClinVar aggregate classification (germline): Uncertain significance (1 of 4 stars; one submission).

Allele frequency attached by ClinVar (database versions not stated): gnomAD exomes below 0.00001; TOPMed 0.00001.
gnomAD v4.1: 1 of 1,614,160 alleles (0.000062%); highest among the groups gnomAD compares: South Asian, 0.0011%; no homozygotes.

Submission:

Labcorp Genetics (formerly Invitae), Labcorp
Classification: Uncertain significance. Last evaluated: 2022-02-09. Review status: criteria provided, single submitter. Criteria: Invitae Variant Classification Sherloc (09022015). Collection method: clinical testing. Allele origin: germline.
Comment: In summary, the available evidence is currently insufficient to determine the role of this variant in disease. Therefore, it has been classified as a Variant of Uncertain Significance. Algorithms developed to predict the effect of missense changes on protein structure and function output the following: SIFT: "Tolerated"; PolyPhen-2: "Benign"; Align-GVGD: "Class C0". The threonine amino acid residue is found in multiple mammalian species, which suggests that this missense change does not adversely affect protein function. This variant has not been reported in the literature in individuals affected with IL12RB2-related conditions. This variant is present in population databases (no rsID available, gnomAD 0.0009%). This sequence change replaces alanine, which is neutral and non-polar, with threonine, which is neutral and polar, at codon 372 of the IL12RB2 protein (p.Ala372Thr).

NM_001374259.2(IL12RB2):c.1114G>A (p.Ala372Thr)

Gene: IL12RB2 (interleukin 12 receptor subunit beta 2; plus strand). Cytogenetic location: 1p31.3.
Variant type: single nucleotide variant.
Coding change: c.1114G>A on transcript NM_001374259.2 (MANE Select); coding-DNA position 1114, G replaced by A.
Protein change: p.Ala372Thr; replaces alanine 372 with threonine.
Molecular consequence: missense variant. On other transcripts: non-coding transcript variant (2).
Genome position (GRCh38, 1-based): chr1:67,350,945, G>A. VCF-style: chr1-67350945-G-A. GRCh37 (hg19) VCF-style: chr1-67816628-G-A.
Other names: c.1114G>A, p.Ala372Thr (NM_001258214.1, NM_001258215.1, NM_001258216.1 and 2 more transcripts); short protein forms A372T.
Identifiers: ClinVar variation 1492437 (VCV001492437.6), dbSNP rs1034144284, ClinGen allele CA23518665.